The following is an entry in ClinVar:

ClinVar aggregate classification (germline): Uncertain significance (1 of 4 stars; one submission).

Submission:

GeneDx
Classification: Uncertain significance. Last evaluated: 2023-08-23. Review status: criteria provided, single submitter. Criteria: GeneDx Variant Classification Process June 2021. Collection method: clinical testing. Allele origin: germline. Affected: yes.
Comment: Not observed at significant frequency in large population cohorts (gnomAD); In silico analysis supports that this missense variant has a deleterious effect on protein structure/function; Has not been previously published as pathogenic or benign to our knowledge; Variants in candidate genes are classified as variants of uncertain significance in accordance with ACMG guidelines (Richards et al., 2015)

NM_014370.4(SRPK3):c.173C>A (p.Pro58His)

Gene: SRPK3 (SRSF protein kinase 3; plus strand). Cytogenetic location: Xq28.
Variant type: single nucleotide variant.
Coding change: c.173C>A on transcript NM_014370.4 (MANE Select); coding-DNA position 173, C replaced by A.
Protein change: p.Pro58His; replaces proline 58 with histidine.
Molecular consequence: missense variant.
Genome position (GRCh38, 1-based): chrX:153,781,329, C>A. VCF-style: chrX-153781329-C-A. GRCh37 (hg19) VCF-style: chrX-153046784-C-A.
Other names: c.173C>A, p.Pro58His (NM_001170760.2, NM_001170761.2); short protein forms P58H.
Identifiers: ClinVar variation 3600694 (VCV003600694.1).